The following is an entry in ClinVar:

ClinVar aggregate classification (germline): Uncertain significance (1 of 4 stars; one submission).

Allele frequency attached by ClinVar (database versions not stated): TOPMed below 0.00001; gnomAD 0.00001; ExAC 0.00004.
gnomAD v4.1: 19 of 1,609,640 alleles (0.0012%); highest among the groups gnomAD compares: South Asian, 0.0022%; no homozygotes.

Submission:

Labcorp Genetics (formerly Invitae), Labcorp
Classification: Uncertain significance. Last evaluated: 2022-09-25. Review status: criteria provided, single submitter. Criteria: Invitae Variant Classification Sherloc (09022015). Collection method: clinical testing. Allele origin: germline.
Comment: In summary, the available evidence is currently insufficient to determine the role of this variant in disease. Therefore, it has been classified as a Variant of Uncertain Significance. Advanced modeling of protein sequence and biophysical properties (such as structural, functional, and spatial information, amino acid conservation, physicochemical variation, residue mobility, and thermodynamic stability) performed at Invitae indicates that this missense variant is expected to disrupt COMP protein function. This variant has not been reported in the literature in individuals affected with COMP-related conditions. This variant is present in population databases (rs771292272, gnomAD 0.004%). This sequence change replaces aspartic acid, which is acidic and polar, with asparagine, which is neutral and polar, at codon 708 of the COMP protein (p.Asp708Asn).

NM_000095.3(COMP):c.2122G>A (p.Asp708Asn)

Gene: COMP (cartilage oligomeric matrix protein; minus strand). Cytogenetic location: 19p13.11.
Variant type: single nucleotide variant.
Coding change: c.2122G>A on transcript NM_000095.3 (MANE Select); coding-DNA position 2122, G replaced by A.
Protein change: p.Asp708Asn; replaces aspartic acid 708 with asparagine.
Molecular consequence: missense variant.
Genome position (GRCh38, 1-based): chr19:18,783,159, C>T on the plus strand (G>A on the coding strand, the complement: COMP is on the minus strand). VCF-style: chr19-18783159-C-T. GRCh37 (hg19) VCF-style: chr19-18893969-C-T.
Other names: short protein forms D708N.
Identifiers: ClinVar variation 2189065 (VCV002189065.4), dbSNP rs771292272, ClinGen allele CA9316166.